The following is an entry in ClinVar:

ClinVar aggregate classification (germline): Conflicting classifications of pathogenicity. Review status: criteria provided, conflicting classifications (1 of 4 stars). 19 submissions from 18 submitters: Uncertain significance (13); Likely benign (2). 4 of the submissions do not count toward it. Last evaluated 2026-07-23.

Conditions:
USH2A-related disorder. Also called: USH2A-related disorders; USH2A-related condition. Identifiers: MedGen CN239332.
Retinitis pigmentosa 39 (RP39). Identifiers: Orphanet 791, MedGen C3151138, MONDO:0013436, OMIM 613809.
Usher syndrome type 2A. Also called: USHER SYNDROME, TYPE IIA; RETINAL DISEASE IN USHER SYNDROME TYPE IIA, MODIFIER OF. Identifiers: Orphanet 231178, Orphanet 886, MedGen C1848634, MONDO:0010169, OMIM 276901.
Hearing impairment. Also called: Impaired Hearing. Identifiers: MedGen C1384666, MONDO:0005365, HP:0000365.

Allele frequency attached by ClinVar (database versions not stated): ESP Exome Variant Server 0.00031; gnomAD 0.00031 and 0.00033; gnomAD exomes 0.00031 and 0.00040; 1000 Genomes Project 30x 0.00016; 1000 Genomes Project 0.00020; ExAC 0.00028; TOPMed 0.00039.
gnomAD v4.1: 639 of 1,614,176 alleles (0.04%); highest among the groups gnomAD compares: Middle Eastern, 0.36%; 1 homozygote.

Submissions (19):

PreventionGenetics, part of Exact Sciences
Classification: Uncertain significance for USH2A-related condition. Last evaluated: 2026-07-23. Review status: criteria provided, single submitter. Criteria: ACMG Guidelines, 2015. Collection method: clinical testing. Allele origin: germline.
Comment: The USH2A c.14519T>C variant is predicted to result in the amino acid substitution p.Leu4840Pro. This variant has been reported in individuals with Usher syndrome or retinitis pigmentosa (Table 2, McGee et al. 2010. PubMed ID: 20507924; Table S2, Bonnet et al. 2016. PubMed ID: 27460420). This variant is reported in 0.046% of alleles in individuals of European (Non-Finnish) descent in gnomAD. Although we suspect that this variant may be pathogenic, at this time, the clinical significance of this variant is uncertain due to the absence of conclusive functional and genetic evidence.

Women's Health and Genetics/Laboratory Corporation of America, LabCorp
Classification: Uncertain significance. Last evaluated: 2025-10-21. Review status: criteria provided, single submitter. Criteria: LabCorp Variant Classification Summary - May 2015. Collection method: clinical testing. Allele origin: germline.
Comment: Variant summary: USH2A c.14519T>C (p.Leu4840Pro) results in a non-conservative amino acid change in the encoded protein sequence. Algorithms developed to predict the effect of missense changes on protein structure and function are either unavailable or do not agree on the potential impact of this missense change. The variant allele was found at a frequency of 0.00031 in 251294 control chromosomes. This frequency is not significantly higher than estimated for disease-causing variants in USH2A, allowing no conclusion about variant significance. c.14519T>C has been observed in individual(s) affected with Usher Syndrome (Bonnet_2016, McGee_2010). These report(s) do not provide unequivocal conclusions about association of the variant with Usher Syndrome. To our knowledge, no experimental evidence demonstrating an impact on protein function has been reported. The following publications have been ascertained in the context of this evaluation (PMID: 27460420, 20507924). ClinVar contains an entry for this variant (Variation ID: 48442). Based on the evidence outlined above, the variant was classified as uncertain significance.

CeGaT Center for Human Genetics Tuebingen
Classification: Likely benign. Last evaluated: 2025-10-01. Review status: criteria provided, single submitter. Criteria: CeGaT Center For Human Genetics Tuebingen Variant Classification Criteria Version 2. Collection method: clinical testing. Allele origin: germline. Affected: yes. Observed: 3 variant alleles.
Comment: USH2A: BP4

GeneDx
Classification: Uncertain significance. Last evaluated: 2025-03-04. Review status: criteria provided, single submitter. Criteria: GeneDx Variant Classification Process June 2021. Collection method: clinical testing. Allele origin: germline. Affected: yes.
Comment: Reported as homozygous variant in a patient with Usher syndrome, with another variant, C1900G, in cis on both alleles (PMID: 27460420); Observed in the heterozygous state without a second variant in a patient with retinitis pigmentosa in published literature (PMID: 20507924); In silico analysis supports that this missense variant has a deleterious effect on protein structure/function; This variant is associated with the following publications: (PMID: 24944099, 27460420, 20507924)

Blueprint Genetics
Classification: Likely benign. Last evaluated: 2024-11-04. Review status: criteria provided, single submitter. Criteria: ACMG Guidelines, 2015. Collection method: clinical testing. Allele origin: germline.

Dasa
Classification: Uncertain significance. Last evaluated: 2024-03-01. Review status: criteria provided, single submitter. Criteria: DASA Assertion Criteria. Collection method: clinical testing. Allele origin: germline.
Comment: NM_206933.4(USH2A):c.14519T>C (p.Leu4840Pro) is a missense variant that results in the substitution of leucine with proline. Published studies describe this variant in association with related phenotype (PMID: 20507924). Also, this variant is rare in population databases. Computational prediction algorithms are consistent with a benign effect. The currently available literature and clinical evidence are not sufficient to establish a definitive association between this variant and the reported condition. Therefore, this variant is classified as a variant of uncertain significance.

Genome-Nilou Lab
Classification: Uncertain significance for Retinitis pigmentosa 39. Last evaluated: 2023-11-04. Review status: criteria provided, single submitter. Criteria: ACMG Guidelines, 2015. Collection method: clinical testing. Allele origin: germline. Affected: no.

Genome-Nilou Lab
Classification: Uncertain significance for Usher syndrome type 2A. Last evaluated: 2023-11-04. Review status: criteria provided, single submitter. Criteria: ACMG Guidelines, 2015. Collection method: clinical testing. Allele origin: germline. Affected: no.

Labcorp Genetics (formerly Invitae), Labcorp
Classification: Uncertain significance. Last evaluated: 2022-10-17. Review status: criteria provided, single submitter. Criteria: Invitae Variant Classification Sherloc (09022015). Collection method: clinical testing. Allele origin: germline.
Comment: This sequence change replaces leucine, which is neutral and non-polar, with proline, which is neutral and non-polar, at codon 4840 of the USH2A protein (p.Leu4840Pro). This variant is present in population databases (rs143275144, gnomAD 0.04%). This missense change has been observed in individual(s) with retinal disease (PMID: 20507924; Invitae). ClinVar contains an entry for this variant (Variation ID: 48442). Algorithms developed to predict the effect of missense changes on protein structure and function output the following: SIFT: "Deleterious"; PolyPhen-2: "Benign"; Align-GVGD: "Class C0". The proline amino acid residue is found in multiple mammalian species, which suggests that this missense change does not adversely affect protein function. In summary, the available evidence is currently insufficient to determine the role of this variant in disease. Therefore, it has been classified as a Variant of Uncertain Significance.

Fulgent Genetics
Classification: Uncertain significance for Usher syndrome type 2A; Retinitis pigmentosa 39. Last evaluated: 2022-05-24. Review status: criteria provided, single submitter. Criteria: ACMG Guidelines, 2015. Collection method: clinical testing. Allele origin: unknown.

Department of Otolaryngology – Head & Neck Surgery, Cochlear Implant Center
Classification: Uncertain significance for Hearing impairment. Last evaluated: 2021-04-12. Review status: criteria provided, single submitter. Criteria: ClinGen HL ACMG Specifications v1. Collection method: clinical testing. Allele origin: germline. Affected: yes.
Comment: PM2_Supporting, PP3_Supporting

Laboratory for Molecular Medicine, Mass General Brigham Personalized Medicine
Classification: Uncertain significance. Last evaluated: 2019-12-20. Review status: criteria provided, single submitter. Criteria: LMM Criteria. Collection method: clinical testing. Allele origin: germline. Observed: 5 variant alleles.
Comment: Variant classified as Uncertain Significance - Favor Benign. The p.Leu4840Pro variant in USH2A has been previously reported by our laboratory in 2 individuals with hearing loss who each carried different homozygous pathogenic variants in another gene that explained the hearing loss. This variant has also been reported in 3 individuals with either retinitis pigmentosa or Usher syndrome. It was homozygous in 1 individual, but a variant affecting the remaining copy of USH2A was not identified in the other 2 individuals (McGee 2010, Baux 2014, Bonnet 2016). It has also been identified in 0.05% (59/129026) of European chromosomes by gnomAD and has been reported in ClinVar (Variation ID: 48442) .The leucine (Leu) at position 4840 is not highly conserved in mammals and evolutionary distant species, and two mammals (prairie vole and Golden hamster) have a proline (Pro) at the position, supporting that this change at this position may be tolerated. In summary, while the clinical significance of the p.Leu4804Pro variant is uncertain, these data suggest that it is more likely to be benign. ACMG/AMP Criteria applied: PM2_Supporting, PP4, PM3_Supporting, BP4.

New York Genome Center
Classification: Uncertain significance for Usher syndrome type 2A. Last evaluated: 2019-09-26. Review status: criteria provided, single submitter. Criteria: NYGC Assertion Criteria 2020. Collection method: clinical testing. Allele origin: germline. Inheritance: Autosomal recessive inheritance. Observed: 1 heterozygote. Study: CSER-NYCKidSeq.

Centre for Mendelian Genomics, University Medical Centre Ljubljana
Classification: Uncertain significance for Usher syndrome type 2A. Last evaluated: 2018-12-20. Review status: criteria provided, single submitter. Criteria: ACMG Guidelines, 2015. Collection method: clinical testing. Allele origin: unknown. Affected: yes.
Comment: This variant was classified as: Uncertain significance. The following ACMG criteria were applied in classifying this variant: PM2,PP3.

Breakthrough Genomics
Classification: Uncertain significance. Review status: criteria provided, single submitter. Criteria: ACMG Guidelines, 2015. Collection method: not provided. Allele origin: germline. Inheritance: Autosomal recessive inheritance. Affected: yes.

Natera, Inc.
Classification: Uncertain significance for Usher syndrome type 2A. Last evaluated: 2020-09-16. Review status: no assertion criteria provided. Collection method: clinical testing. Allele origin: germline. Not counted in ClinVar's aggregate classification.

Clinical Genetics DNA and cytogenetics Diagnostics Lab, Erasmus MC, Erasmus Medical Center
Classification: Uncertain significance. Review status: no assertion criteria provided. Collection method: clinical testing. Allele origin: germline. Affected: yes. Study: VKGL Data-share Consensus. Not counted in ClinVar's aggregate classification.

Clinical Genetics, Academic Medical Center
Classification: Uncertain significance. Review status: no assertion criteria provided. Collection method: clinical testing. Allele origin: germline. Affected: yes. Study: VKGL Data-share Consensus. Not counted in ClinVar's aggregate classification.

Joint Genome Diagnostic Labs from Nijmegen and Maastricht, Radboudumc and MUMC+
Classification: Uncertain significance. Review status: no assertion criteria provided. Collection method: clinical testing. Allele origin: germline. Affected: yes. Study: VKGL Data-share Consensus. Not counted in ClinVar's aggregate classification.

Literature cited by the submitters: PubMed 20507924 (cited by 5 submitters); PubMed 27460420 (cited by Women's Health and Genetics/Laboratory Corporation of America, LabCorp and Laboratory for Molecular Medicine, Mass General Brigham Personalized Medicine); PubMed 24944099 (cited by Laboratory for Molecular Medicine, Mass General Brigham Personalized Medicine).

NM_206933.4(USH2A):c.14519T>C (p.Leu4840Pro)

Gene: USH2A (usherin; minus strand). Cytogenetic location: 1q41.
Variant type: single nucleotide variant.
Coding change: c.14519T>C on transcript NM_206933.4 (MANE Select); coding-DNA position 14519, T replaced by C.
Protein change: p.Leu4840Pro; replaces leucine 4840 with proline.
Molecular consequence: missense variant.
Genome position (GRCh38, 1-based): chr1:215,648,591, A>G on the plus strand (T>C on the coding strand, the complement: USH2A is on the minus strand). VCF-style: chr1-215648591-A-G. GRCh37 (hg19) VCF-style: chr1-215821933-A-G.
Other names: short protein forms L4840P.
Identifiers: ClinVar variation 48442 (VCV000048442.74), dbSNP rs143275144, ClinGen allele CA143360.